The following is an entry in ClinVar:

NM_000268.4(NF2):c.902T>C (p.Ile301Thr)

Gene: NF2 (NF2, moesin-ezrin-radixin like (MERLIN) tumor suppressor; plus strand). Cytogenetic location: 22q12.2.
Variant type: single nucleotide variant.
Coding change: c.902T>C on transcript NM_000268.4 (MANE Select); coding-DNA position 902, T replaced by C.
Protein change: p.Ile301Thr; replaces isoleucine 301 with threonine.
Molecular consequence: missense variant. On other transcripts: non-coding transcript variant (1), intron variant (1).
Genome position (GRCh38, 1-based): chr22:29,668,349, T>C. VCF-style: chr22-29668349-T-C. GRCh37 (hg19) VCF-style: chr22-30064338-T-C.
Other names: c.788T>C, p.Ile263Thr (NM_001407053.1, NM_001407056.1); c.779T>C, p.Ile260Thr (NM_001407054.1, NM_001407058.1, NM_181829.3); c.776T>C, p.Ile259Thr (NM_001407055.1, NM_181828.3); c.767T>C, p.Ile256Thr (NM_001407057.1, NM_001407059.1); c.902T>C, p.Ile301Thr (NM_001407060.1, NM_001407066.1, NM_016418.5 and 2 more transcripts); c.644T>C, p.Ile215Thr (NM_001407062.1); c.653T>C, p.Ile218Thr (NM_001407063.1, NM_001407064.1, NM_181830.3 and 1 more transcripts); c.368T>C, p.Ile123Thr (NM_001407065.1); and 2 more; short protein forms I215T, I224T, I259T, I301T, I123T, I218T, I260T, I263T.
Identifiers: ClinVar variation 3404979 (VCV003404979.1).

ClinVar aggregate classification (germline): Uncertain significance (1 of 4 stars; one submission).

Conditions:
Hereditary cancer-predisposing syndrome. Also called: Hereditary Cancer Syndrome; Tumor predisposition; Hereditary neoplastic syndrome; Neoplastic Syndromes, Hereditary. Identifiers: Orphanet 140162, MedGen C0027672, MeSH D009386, MONDO:0015356.

Submission:

Ambry Genetics
Classification: Uncertain significance for Hereditary cancer-predisposing syndrome. Last evaluated: 2024-07-09. Review status: criteria provided, single submitter. Criteria: Ambry Variant Classification Scheme 2023. Collection method: clinical testing. Allele origin: germline.
Comment: The p.I301T variant (also known as c.902T>C), located in coding exon 10 of the NF2 gene, results from a T to C substitution at nucleotide position 902. The isoleucine at codon 301 is replaced by threonine, an amino acid with similar properties. This amino acid position is conserved. In addition, this alteration is predicted to be deleterious by in silico analysis. Based on the available evidence, the clinical significance of this variant remains unclear.